The following is an entry in ClinVar:

ClinVar aggregate classification (germline): Likely pathogenic (1 of 4 stars; one submission).

Submission:

Labcorp Genetics (formerly Invitae), Labcorp
Classification: Likely pathogenic. Last evaluated: 2019-06-23. Review status: criteria provided, single submitter. Criteria: Invitae Variant Classification Sherloc (09022015). Collection method: clinical testing. Allele origin: germline.
Comment: This variant results in a copy number gain of the genomic region encompassing exons 13-22 of the EYS gene. While the exact position of this variant cannot be determined from this data, sub-genic copy number gains are generally in tandem (PMID: 25640679) and may result in an absent or disrupted protein product. This variant has not been reported in the literature in individuals with EYS-related conditions. Loss-of-function variants in EYS are known to be pathogenic (PMID: 18836446, 20333770). In summary, the currently available evidence indicates that the variant is pathogenic, but additional data are needed to prove that conclusively. Therefore, this variant has been classified as Likely Pathogenic.

NC_000006.12:g.(?_64813368)_(65057737_?)dup

Gene: EYS (eyes shut homolog; minus strand). Cytogenetic location: 6q12.
Variant type: Duplication.
Identifiers: ClinVar variation 830391 (VCV000830391.1).